The following is an entry in ClinVar:

ClinVar aggregate classification (germline): Benign. Review status: criteria provided, multiple submitters, no conflicts (2 of 4 stars). 6 submissions from 4 submitters: Benign (6). Last evaluated 2021-09-05.

Conditions:
Blepharophimosis - intellectual disability syndrome, MKB type. Also called: X-Linked Ohdo Syndrome (XLOS); BLEPHAROPHIMOSIS-MENTAL RETARDATION SYNDROME, MAAT-KIEVIT-BRUNNER TYPE; Ohdo syndrome, X-linked. Identifiers: Orphanet 293707, MedGen C3698541, MONDO:0010477, OMIM 300895.
X-linked intellectual disability with marfanoid habitus. Also called: Lujan Syndrome (LS); X-linked mental retardation with marfanoid habitus syndrome; Lujan Syndrome; INTELLECTUAL DEVELOPMENTAL DISORDER, X-LINKED, SYNDROMIC, LUJAN-FRYNS TYPE. Identifiers: Orphanet 776, MedGen C0796022, MONDO:0010655, OMIM 309520.
FG syndrome 1 (OKS). Also called: FG Syndrome Type 1 (FGS1); OPITZ-KAVEGGIA SYNDROME; KELLER SYNDROME; MENTAL RETARDATION, LARGE HEAD, IMPERFORATE ANUS, CONGENITAL HYPOTONIA, AND PARTIAL AGENESIS OF CORPUS CALLOSUM. Identifiers: Orphanet 93932, MedGen C5399762, MONDO:0010590, OMIM 305450.

Allele frequency attached by ClinVar (database versions not stated): 1000 Genomes Project 0.11815; 1000 Genomes Project 30x 0.12216; TOPMed 0.21825; gnomAD 0.22645 and 0.23097; gnomAD exomes 0.22659 and 0.29090; ExAC 0.23837; ESP Exome Variant Server 0.23861.
gnomAD v4.1: 331,045 of 1,162,723 alleles (28%); highest among the groups gnomAD compares: Middle Eastern, 41%; 35,570 homozygotes.

Submissions (6):

Genome-Nilou Lab
Classification: Benign for X-linked intellectual disability with marfanoid habitus. Last evaluated: 2021-09-05. Review status: criteria provided, single submitter. Criteria: ACMG Guidelines, 2015. Collection method: clinical testing. Allele origin: germline. Affected: no.

Genome-Nilou Lab
Classification: Benign for Blepharophimosis - intellectual disability syndrome, MKB type. Last evaluated: 2021-09-05. Review status: criteria provided, single submitter. Criteria: ACMG Guidelines, 2015. Collection method: clinical testing. Allele origin: germline. Affected: no.

Genome-Nilou Lab
Classification: Benign for FG syndrome 1. Last evaluated: 2021-09-05. Review status: criteria provided, single submitter. Criteria: ACMG Guidelines, 2015. Collection method: clinical testing. Allele origin: germline. Affected: no.

GeneDx
Classification: Benign. Last evaluated: 2018-06-14. Review status: criteria provided, single submitter. Criteria: GeneDx Variant Classification (06012015). Collection method: clinical testing. Allele origin: germline. Affected: yes.
Comment: This variant is considered likely benign or benign based on one or more of the following criteria: it is a conservative change, it occurs at a poorly conserved position in the protein, it is predicted to be benign by multiple in silico algorithms, and/or has population frequency not consistent with disease.

Breakthrough Genomics
Classification: Benign. Review status: criteria provided, single submitter. Criteria: ACMG Guidelines, 2015. Collection method: not provided. Allele origin: germline. Inheritance: X-linked inheritance. Affected: yes.

PreventionGenetics, part of Exact Sciences
Classification: Benign. Review status: criteria provided, single submitter. Criteria: ACMG Guidelines, 2015. Collection method: clinical testing. Allele origin: germline.

NM_005120.3(MED12):c.4415+29T>C

Gene: MED12 (mediator complex subunit 12; plus strand). Cytogenetic location: Xq13.1.
Variant type: single nucleotide variant.
Coding change: c.4415+29T>C on transcript NM_005120.3 (MANE Select); 29 bases into the intron after coding-DNA position 4415, T replaced by C.
Molecular consequence: intron variant.
Genome position (GRCh38, 1-based): chrX:71,132,567, T>C. VCF-style: chrX-71132567-T-C. GRCh37 (hg19) VCF-style: chrX-70352417-T-C.
Identifiers: ClinVar variation 259637 (VCV000259637.5), dbSNP rs10521349, ClinGen allele CA10444634.